The following is an entry in ClinVar:

ClinVar aggregate classification (germline): Likely benign. Review status: criteria provided, multiple submitters, no conflicts (2 of 4 stars). 3 submissions from 3 submitters: Likely benign (2). 1 of the submissions does not count toward it. Last evaluated 2025-12-24.

Conditions:
Nephronophthisis 9 (NPHP9). Identifiers: Orphanet 655, MedGen C3151188, MONDO:0013444, OMIM 613824.
Renal-hepatic-pancreatic dysplasia 2 (RHPD2). Identifiers: MedGen C3809434, MONDO:0014174, OMIM 615415.
NEK8-related disorder. Also called: NEK8-related condition.

Allele frequency attached by ClinVar (database versions not stated): gnomAD exomes 0.00001 and 0.00006; ExAC 0.00007; TOPMed 0.00017; gnomAD 0.00018 and 0.00020; 1000 Genomes Project 30x 0.00062; 1000 Genomes Project 0.00080.
gnomAD v4.1: 53 of 1,614,114 alleles (0.0033%); highest among the groups gnomAD compares: African/African-American, 0.068%; no homozygotes.

Submissions (3):

Labcorp Genetics (formerly Invitae), Labcorp
Classification: Likely benign for Nephronophthisis 9. Last evaluated: 2025-12-24. Review status: criteria provided, single submitter. Criteria: Invitae Variant Classification Sherloc (09022015). Collection method: clinical testing. Allele origin: germline.

Fulgent Genetics
Classification: Likely benign for Nephronophthisis 9; Renal-hepatic-pancreatic dysplasia 2. Last evaluated: 2021-08-22. Review status: criteria provided, single submitter. Criteria: ACMG Guidelines, 2015. Collection method: clinical testing. Allele origin: unknown.

PreventionGenetics, part of Exact Sciences
Classification: Likely benign for NEK8-related condition. Last evaluated: 2024-02-01. Review status: no assertion criteria provided. Collection method: clinical testing. Allele origin: germline. Not counted in ClinVar's aggregate classification.
Comment: This variant is classified as likely benign based on ACMG/AMP sequence variant interpretation guidelines (Richards et al. 2015 PMID: 25741868, with internal and published modifications).

NM_178170.3(NEK8):c.1263G>A (p.Gly421=)

Gene: NEK8 (NIMA related kinase 8; plus strand). Cytogenetic location: 17q11.2.
Variant type: single nucleotide variant.
Coding change: c.1263G>A on transcript NM_178170.3 (MANE Select); coding-DNA position 1263, G replaced by A.
Protein change: p.Gly421=; no amino-acid change (glycine 421 retained).
Molecular consequence: synonymous variant.
Genome position (GRCh38, 1-based): chr17:28,738,711, G>A. VCF-style: chr17-28738711-G-A. GRCh37 (hg19) VCF-style: chr17-27065729-G-A.
Identifiers: ClinVar variation 696885 (VCV000696885.11), dbSNP rs147061645, ClinGen allele CA8467369.